The following is an entry in ClinVar:

NM_030662.4(MAP2K2):c.405G>C (p.Gly135=)

Gene: MAP2K2 (mitogen-activated protein kinase kinase 2; minus strand). Cytogenetic location: 19p13.3.
Variant type: single nucleotide variant.
Coding change: c.405G>C on transcript NM_030662.4 (MANE Select); coding-DNA position 405, G replaced by C.
Protein change: p.Gly135=; no amino-acid change (glycine 135 retained).
Molecular consequence: synonymous variant.
Genome position (GRCh38, 1-based): chr19:4,110,554, C>G on the plus strand (G>C on the coding strand, the complement: MAP2K2 is on the minus strand). VCF-style: chr19-4110554-C-G. GRCh37 (hg19) VCF-style: chr19-4110552-C-G.
Other names: p.G135G; NM_030662.3(MAP2K2):c.405G>C.
Identifiers: ClinVar variation 40793 (VCV000040793.39), dbSNP rs10424722, ClinGen allele CA137935.
Genomic context (GRCh38, chr19:4,110,554, plus strand): 5'-CCCGGACGCACTCACCATGTGTTCCATGCAAATGCTGATCTCCCCGTCACTGTAGAAGGC[C>G]CCGTAGAAGCCCACGATGTACGGCGAGTTGCATTCGTGCAGGACCTGCAGCTCGCGGATG-3'
Protein context (NP_109587.1, residues 125-145): CNSPYIVGFY[Gly135=]AFYSDGEISI

ClinVar aggregate classification (germline): Benign. Review status: reviewed by expert panel (3 of 4 stars). 13 submissions from 13 submitters: Benign (1). 12 of the submissions do not count toward it. Last evaluated 2017-05-09.

Conditions:
Noonan syndrome and Noonan-related syndrome. Identifiers: Orphanet 98733, MedGen C5681679, MONDO:0020297.
Cardiovascular phenotype. Identifiers: MedGen CN230736.
Cardiofaciocutaneous syndrome 4 (CFC4). Also called: MAP2K2-Related Cardiofaciocutaneous Syndrome. Identifiers: Orphanet 1340, MedGen C3809007, MONDO:0014114, OMIM 615280.
RASopathy. Also called: Noonan spectrum disorder; rasopathies. Identifiers: Orphanet 536391, MedGen C5555857, MONDO:0021060.

Allele frequency attached by ClinVar (database versions not stated): ExAC 0.01432; 1000 Genomes Project 0.04772; ESP Exome Variant Server 0.04867; gnomAD exomes 0.01159; 1000 Genomes Project 30x 0.04981; gnomAD 0.04706 and 0.04389; TOPMed 0.04924.
gnomAD v4.1: 13,212 of 1,613,924 alleles (0.82%); highest among the groups gnomAD compares: African/African-American, 15%; 967 homozygotes.

Submissions (13):

ClinGen RASopathy Variant Curation Expert Panel
Classification: Benign for Noonan syndrome and Noonan-related syndrome. Last evaluated: 2017-05-09. Review status: reviewed by expert panel. Criteria: ClinGen RASopathy ACMG Specifications v1. Collection method: curation. Allele origin: germline. Inheritance: Autosomal dominant inheritance.
Comment: The filtering allele frequency of the c.405G>C (p.Gly135=) variant in the MAP2K2 gene is 14.69% (1588/10368) of African chromosomes by the Exome Aggregation Consortium, which is a high enough frequency to be classified as benign based on thresholds defined by the ClinGen RASopathy Expert Panel (BA1; PMID:29493581)

Labcorp Genetics (formerly Invitae), Labcorp
Classification: Benign for RASopathy. Last evaluated: 2026-02-04. Review status: criteria provided, single submitter. Criteria: Invitae Variant Classification Sherloc (09022015). Collection method: clinical testing. Allele origin: germline. Not counted in ClinVar's aggregate classification.

ARUP Laboratories, Molecular Genetics and Genomics, ARUP Laboratories
Classification: Benign for Cardiofaciocutaneous syndrome 4. Last evaluated: 2025-05-14. Review status: criteria provided, single submitter. Criteria: ARUP Molecular Germline Variant Investigation Process 2024. Collection method: clinical testing. Allele origin: germline. Not counted in ClinVar's aggregate classification.

Genome Diagnostics Laboratory, The Hospital for Sick Children
Classification: Benign for Noonan syndrome and Noonan-related syndrome. Last evaluated: 2021-06-03. Review status: criteria provided, single submitter. Criteria: ACMG Guidelines, 2015. Collection method: clinical testing. Allele origin: germline. Not counted in ClinVar's aggregate classification.

Ambry Genetics
Classification: Benign for Cardiovascular phenotype. Last evaluated: 2019-07-05. Review status: criteria provided, single submitter. Criteria: Ambry Variant Classification Scheme 2023. Collection method: clinical testing. Allele origin: germline. Not counted in ClinVar's aggregate classification.

Mayo Clinic Laboratories, Mayo Clinic
Classification: Benign. Last evaluated: 2017-05-03. Review status: criteria provided, single submitter. Criteria: ACMG Guidelines, 2015. Collection method: clinical testing. Allele origin: germline. Observed: 65 variant alleles. Not counted in ClinVar's aggregate classification.

GeneDx
Classification: Benign. Last evaluated: 2015-03-03. Review status: criteria provided, single submitter. Criteria: GeneDx Variant Classification Process June 2021. Collection method: clinical testing. Allele origin: germline. Affected: yes. Not counted in ClinVar's aggregate classification.

Laboratory for Molecular Medicine, Mass General Brigham Personalized Medicine
Classification: Benign. Last evaluated: 2008-12-31. Review status: criteria provided, single submitter. Criteria: LMM Criteria. Collection method: clinical testing. Allele origin: germline. Observed: 88 variant alleles. Not counted in ClinVar's aggregate classification.

Breakthrough Genomics
Classification: Benign. Review status: criteria provided, single submitter. Criteria: ACMG Guidelines, 2015. Collection method: not provided. Allele origin: germline. Inheritance: Autosomal dominant inheritance. Affected: yes. Not counted in ClinVar's aggregate classification.

PreventionGenetics, part of Exact Sciences
Classification: Benign. Review status: criteria provided, single submitter. Criteria: ACMG Guidelines, 2015. Collection method: clinical testing. Allele origin: germline. Not counted in ClinVar's aggregate classification.

Baylor Genetics
Classification: Benign for Rasopathy. Review status: no assertion criteria provided. Collection method: clinical testing. Allele origin: unknown. Affected: yes. Not counted in ClinVar's aggregate classification.
Comment: Variant classified using ACMG guidelines

Clinical Genetics, Academic Medical Center
Classification: Benign. Review status: no assertion criteria provided. Collection method: clinical testing. Allele origin: germline. Affected: yes. Study: VKGL Data-share Consensus. Not counted in ClinVar's aggregate classification.

Joint Genome Diagnostic Labs from Nijmegen and Maastricht, Radboudumc and MUMC+
Classification: Benign. Review status: no assertion criteria provided. Collection method: clinical testing. Allele origin: germline. Affected: yes. Study: VKGL Data-share Consensus. Not counted in ClinVar's aggregate classification.